The following is an entry in ClinVar:

ClinVar aggregate classification (germline): Likely benign. Review status: criteria provided, multiple submitters, no conflicts (2 of 4 stars). 2 submissions from 2 submitters: Likely benign (2). Last evaluated 2025-08-01.

Conditions:
Cohen syndrome (COH1). Also called: PEPPER SYNDROME; Cutis verticis gyrata, retinitis pigmentosa, and sensorineural deafness. Identifiers: Orphanet 193, MedGen C0265223, MONDO:0008999, OMIM 216550.

gnomAD v4.1: 6 of 1,613,950 alleles (0.00037%); highest among the groups gnomAD compares: East Asian, 0.0045%; no homozygotes.

Submissions (2):

CeGaT Center for Human Genetics Tuebingen
Classification: Likely benign. Last evaluated: 2025-08-01. Review status: criteria provided, single submitter. Criteria: CeGaT Center For Human Genetics Tuebingen Variant Classification Criteria Version 2. Collection method: clinical testing. Allele origin: germline. Affected: yes. Observed: 1 variant allele.
Comment: VPS13B: BP4, BP7

Labcorp Genetics (formerly Invitae), Labcorp
Classification: Likely benign for Cohen syndrome. Last evaluated: 2023-11-28. Review status: criteria provided, single submitter. Criteria: Invitae Variant Classification Sherloc (09022015). Collection method: clinical testing. Allele origin: germline.

NM_152564.5(VPS13B):c.8853A>T (p.Pro2951=)

Gene: VPS13B (vacuolar protein sorting 13 homolog B; plus strand). Cytogenetic location: 8q22.2.
Variant type: single nucleotide variant.
Coding change: c.8853A>T on transcript NM_152564.5 (MANE Select); coding-DNA position 8853, A replaced by T.
Protein change: p.Pro2951=; no amino-acid change (proline 2951 retained).
Molecular consequence: synonymous variant.
Genome position (GRCh38, 1-based): chr8:99,819,981, A>T. VCF-style: chr8-99819981-A-T. GRCh37 (hg19) VCF-style: chr8-100832209-A-T.
Other names: c.8928A>T, p.Pro2976= (NM_017890.5).
Identifiers: ClinVar variation 2883022 (VCV002883022.11), dbSNP rs147187040, ClinGen allele CA4824580.